The following is an entry in ClinVar:

NM_015599.3(PGM3):c.737A>G (p.Asn246Ser)

Gene: PGM3 (phosphoglucomutase 3; minus strand). Cytogenetic location: 6q14.1.
Variant type: single nucleotide variant.
Coding change: c.737A>G on transcript NM_015599.3 (MANE Select); coding-DNA position 737, A replaced by G.
Protein change: p.Asn246Ser; replaces asparagine 246 with serine.
Molecular consequence: missense variant. On other transcripts: non-coding transcript variant (1).
Genome position (GRCh38, 1-based): chr6:83,181,786, T>C on the plus strand (A>G on the coding strand, the complement: PGM3 is on the minus strand). VCF-style: chr6-83181786-T-C. GRCh37 (hg19) VCF-style: chr6-83891505-T-C.
Other names: p.Asn274ser; c.821A>G, p.Asn274Ser (NM_001199917.2, NM_001367287.1); c.494A>G, p.Asn165Ser (NM_001199918.2); c.737A>G, p.Asn246Ser (NM_001199919.2, NM_001367286.1); c.821A>G (NM_001199917.1); short protein forms N246S, N274S, N165S.
Identifiers: ClinVar variation 140732 (VCV000140732.8), dbSNP rs587777562, ClinGen allele CA163467.

ClinVar aggregate classification (germline): Pathogenic/Likely pathogenic. Review status: criteria provided, multiple submitters, no conflicts (2 of 4 stars). 5 submissions from 5 submitters: Pathogenic (3); Likely pathogenic (1). 1 of the submissions does not count toward it. Last evaluated 2024-07-29.

Conditions:
Inborn genetic diseases. Identifiers: MedGen C0950123, MeSH D030342.
Immunodeficiency 23 (IMD23). Also called: IMMUNODEFICIENCY WITH HYPER IgE AND COGNITIVE IMPAIRMENT; IMMUNODEFICIENCY-VASCULITIS-MYOCLONUS SYNDROME. Identifiers: Orphanet 443811, MedGen C4014371, MONDO:0014353, OMIM 615816.
Severe combined immunodeficiency disease. Also called: Severe combined immunodeficiency; Severe Combined Immune Deficiency. Identifiers: Orphanet 183660, MedGen C0085110, MeSH D016511, MONDO:0015974, HP:0004430. Inheritance: X-Linked or Autosomal recessive.

Allele frequency attached by ClinVar (database versions not stated): gnomAD exomes below 0.00001.

Submissions (5):

Women's Health and Genetics/Laboratory Corporation of America, LabCorp
Classification: Pathogenic for Severe combined immunodeficiency disease. Last evaluated: 2024-07-29. Review status: criteria provided, single submitter. Criteria: LabCorp Variant Classification Summary - May 2015. Collection method: clinical testing. Allele origin: germline.
Comment: Variant summary: PGM3 c.821A>G (p.Asn274Ser) results in a conservative amino acid change located in the Phosphoacetylglucosamine mutase AMG1, domain II (IPR049023) of the encoded protein sequence. Four of five in-silico tools predict a damaging effect of the variant on protein function. The variant allele was found at a frequency of 4e-06 in 250886 control chromosomes. c.821A>G (also known as c.737A>G , p.Asn246Ser) has been reported in the literature in individuals affected with PGM3-related immunodeficiency (examples: Stray-Pedersen_2014 and Bernth-Jensen_2016). These data indicate that the variant is likely to be associated with disease. At least one publication reports experimental evidence evaluating an impact on protein function. The most pronounced variant effect results in <10% of normal activity ( Stray-Pedersen_2014). The following publications have been ascertained in the context of this evaluation (PMID: 24931394, 26409661). ClinVar contains an entry for this variant (Variation ID: 140732). Based on the evidence outlined above, the variant was classified as pathogenic.

Ambry Genetics
Classification: Pathogenic for Inborn genetic diseases. Last evaluated: 2023-05-11. Review status: criteria provided, single submitter. Criteria: Ambry Variant Classification Scheme 2023. Collection method: clinical testing. Allele origin: germline.
Comment: The c.821A>G (p.N274S) alteration is located in exon 7 (coding exon 6) of the PGM3 gene. This alteration results from an A to G substitution at nucleotide position 821, causing the asparagine (N) at amino acid position 274 to be replaced by a serine (S). Based on data from gnomAD, the G allele has an overall frequency of <0.001% (1/250886) total alleles studied. The highest observed frequency was 0.005% (1/18382) of East Asian alleles. This alteration, also known as c.737A>G (p.Asn246Ser), was reported in multiple homozygous individuals with clinical features of PGM3-related immunodeficiency (Stray-Pedersen, 2014; Bernth-Jensen, 2016; NCBI ClinVar 2022)._x000D_ _x000D_ ClinVar citation: National Center for Biotechnology Information. ClinVar; [VCV000140732.3], (accessed May 11, 2023). This amino acid position is highly conserved in available vertebrate species. Based on internal structural analysis, N274S is deleterious. The variant disrupts the interaction of Asn274 with metal-binding loop and active serine loop (Stray-Pedersen, 2014; Raimi, 2018). In vitro expression studies in E. coli demonstrated that this substitution abolished PGM3 function with residual function of approximately 1% compared to wild type (Stray-Pedersen, 2014). This alteration is predicted to be tolerated by in silico analysis. Based on the available evidence, this alteration is classified as pathogenic.

Foundation for Research in Genetics and Endocrinology, FRIGE's Institute of Human Genetics
Classification: Likely pathogenic for Immunodeficiency 23. Last evaluated: 2022-01-21. Review status: criteria provided, single submitter. Criteria: ACMG Guidelines, 2015. Collection method: clinical testing. Allele origin: germline. Inheritance: Autosomal recessive inheritance. Affected: yes. Observed: 1 homozygote.
Comment: A Homozygous missense variation in exon 7 of the PGM3 gene that results in the amino acid substitution of Serine for Asparagine at codon 274 was detected. The observed variant c.821A>G (p.Asn274Ser) has not been reported in the 1000 genomes and gnomAD databases. The in silico prediction of the variant are possibly damaging by LRT, MutPred, PROVEAN and MutationTaster. The reference codon is conserved across species. In summary, the variant meets our criteria to be classified as likely pathogenic.

Lupski Lab, Baylor-Hopkins CMG, Baylor College of Medicine
Classification: Pathogenic for Immunodeficiency 23. Last evaluated: 2014-07-03. Review status: criteria provided, single submitter. Criteria: Stray-Pedersen et al. (AJHG 2014). Collection method: research. Allele origin: inherited. Inheritance: Autosomal recessive inheritance. Affected: yes and no. Observed: 3 variant alleles, 2 heterozygotes, 1 homozygote.
Comment: segregates with the phenotype in an affected family

OMIM
Classification: Pathogenic for IMMUNODEFICIENCY 23. Last evaluated: 2014-07-03. Review status: no assertion criteria provided. Collection method: literature only. Allele origin: germline. Not counted in ClinVar's aggregate classification.

Literature cited by the submitters: PubMed 26409661 (cited by Women's Health and Genetics/Laboratory Corporation of America, LabCorp and Ambry Genetics); PubMed 24931394 (cited by 3 submitters); PubMed 29967067 (cited by Ambry Genetics).